The following is an entry in ClinVar:

ClinVar aggregate classification (germline): Conflicting classifications of pathogenicity. Review status: criteria provided, conflicting classifications (1 of 4 stars). 2 submissions from 2 submitters: Uncertain significance (1); Benign (1). Last evaluated 2024-06-24.

Conditions:
Retinal dystrophy. Also called: Inherited retinal dystrophy. Identifiers: Orphanet 71862, MedGen C0854723, MeSH D058499, MONDO:0019118, HP:0000556.

Allele frequency attached by ClinVar (database versions not stated): TOPMed below 0.00001; gnomAD 0.00001; gnomAD exomes 0.00001.
gnomAD v4.1: 18 of 1,614,254 alleles (0.0011%); highest among the groups gnomAD compares: East Asian, 0.031%; no homozygotes.

Submissions (2):

Labcorp Genetics (formerly Invitae), Labcorp
Classification: Uncertain significance. Last evaluated: 2024-06-24. Review status: criteria provided, single submitter. Criteria: Invitae Variant Classification Sherloc (09022015). Collection method: clinical testing. Allele origin: germline.
Comment: This sequence change replaces alanine, which is neutral and non-polar, with valine, which is neutral and non-polar, at codon 712 of the SEMA4A protein (p.Ala712Val). This variant is not present in population databases (gnomAD no frequency). This variant has not been reported in the literature in individuals affected with SEMA4A-related conditions. An algorithm developed to predict the effect of missense changes on protein structure and function (PolyPhen-2) suggests that this variant is likely to be disruptive. In summary, the available evidence is currently insufficient to determine the role of this variant in disease. Therefore, it has been classified as a Variant of Uncertain Significance.

Dept Of Ophthalmology, Nagoya University
Classification: Benign for Retinal dystrophy. Last evaluated: 2023-10-01. Review status: criteria provided, single submitter. Criteria: Submitter's publication. Collection method: research. Allele origin: germline. Affected: yes.

NM_022367.4(SEMA4A):c.2135C>T (p.Ala712Val)

Gene: SEMA4A (semaphorin 4A; plus strand). Cytogenetic location: 1q22.
Variant type: single nucleotide variant.
Coding change: c.2135C>T on transcript NM_022367.4 (MANE Select); coding-DNA position 2135, C replaced by T.
Protein change: p.Ala712Val; replaces alanine 712 with valine.
Molecular consequence: missense variant.
Genome position (GRCh38, 1-based): chr1:156,176,846, C>T. VCF-style: chr1-156176846-C-T. GRCh37 (hg19) VCF-style: chr1-156146637-C-T.
Other names: c.2135C>T, p.Ala712Val (NM_001193300.2, NM_001193301.2, NM_001370567.1); c.1739C>T, p.Ala580Val (NM_001193302.2); c.1838C>T, p.Ala613Val (NM_001370568.1); c.1628C>T, p.Ala543Val (NM_001370569.1, NM_001370571.1); short protein forms A543V, A580V, A613V, A712V.
Identifiers: ClinVar variation 3028284 (VCV003028284.3), dbSNP rs1655391926, ClinGen allele CA342813715.